The following is an entry in ClinVar:

NM_133433.4(NIPBL):c.3310A>G (p.Arg1104Gly)

Gene: NIPBL (NIPBL cohesin loading factor; plus strand). Cytogenetic location: 5p13.2.
Variant type: single nucleotide variant.
Coding change: c.3310A>G on transcript NM_133433.4 (MANE Select); coding-DNA position 3310, A replaced by G.
Protein change: p.Arg1104Gly; replaces arginine 1104 with glycine.
Molecular consequence: missense variant.
Genome position (GRCh38, 1-based): chr5:37,000,378, A>G. VCF-style: chr5-37000378-A-G. GRCh37 (hg19) VCF-style: chr5-37000480-A-G.
Other names: c.3310A>G, p.Arg1104Gly (NM_015384.5); short protein forms R1104G.
Identifiers: ClinVar variation 1449837 (VCV001449837.6), dbSNP rs2149668934, ClinGen allele CA359516854.

ClinVar aggregate classification (germline): Uncertain significance (1 of 4 stars; one submission).

Conditions:
Cornelia de Lange syndrome 1 (CDLS1). Also called: Brachmann de Lange syndrome; TYPUS DEGENERATIVUS AMSTELODAMENSIS; NIPBL-Related Cornelia de Lange Syndrome. Identifiers: Orphanet 199, MedGen C4551851, MONDO:0007387, OMIM 122470.

Submission:

Labcorp Genetics (formerly Invitae), Labcorp
Classification: Uncertain significance for Cornelia de Lange syndrome 1. Last evaluated: 2021-11-12. Review status: criteria provided, single submitter. Criteria: Invitae Variant Classification Sherloc (09022015). Collection method: clinical testing. Allele origin: germline.
Comment: Advanced modeling of protein sequence and biophysical properties (such as structural, functional, and spatial information, amino acid conservation, physicochemical variation, residue mobility, and thermodynamic stability) performed at Invitae indicates that this missense variant is expected to disrupt NIPBL protein function. In summary, the available evidence is currently insufficient to determine the role of this variant in disease. Therefore, it has been classified as a Variant of Uncertain Significance. This variant has not been reported in the literature in individuals affected with NIPBL-related conditions. This variant is not present in population databases (gnomAD no frequency). This sequence change replaces arginine, which is basic and polar, with glycine, which is neutral and non-polar, at codon 1104 of the NIPBL protein (p.Arg1104Gly).